The following is an entry in ClinVar:

ClinVar aggregate classification (germline): Pathogenic/Likely pathogenic. Review status: criteria provided, multiple submitters, no conflicts (2 of 4 stars). 2 submissions from 2 submitters: Pathogenic (1); Likely pathogenic (1). Last evaluated 2024-03-29.

Conditions:
Recessive dystrophic epidermolysis bullosa (RDEB). Also called: Epidermolysis Bullosa Distrophica Autosomal Recessive (RDEB); EPIDERMOLYSIS BULLOSA DYSTROPHICA, GENERALIZED SEVERE, AUTOSOMAL RECESSIVE; DYSTROPHIC EPIDERMOLYSIS BULLOSA, AUTOSOMAL RECESSIVE; EPIDERMOLYSIS BULLOSA DYSTROPHICA, HALLOPEAU-SIEMENS TYPE; severe generalized recessive dystrophic epidermolysis bullosa; epidermolysis bullosa dystrophica, autosomal recessive. Identifiers: Orphanet 79408, Orphanet 79409, MedGen C0079474, MONDO:0009179, OMIM 226600.

Allele frequency attached by ClinVar (database versions not stated): gnomAD exomes below 0.00001.
gnomAD v4.1: 2 of 1,614,180 alleles (0.00012%); highest among the groups gnomAD compares: Middle Eastern, 0.016%; no homozygotes.

Submissions (2):

Genomic Medicine Center of Excellence, King Faisal Specialist Hospital and Research Centre
Classification: Likely pathogenic for Recessive dystrophic epidermolysis bullosa. Last evaluated: 2024-03-29. Review status: criteria provided, single submitter. Criteria: ACMG Guidelines, 2015. Collection method: clinical testing. Allele origin: germline.

GeneDx
Classification: Pathogenic. Last evaluated: 2019-01-04. Review status: criteria provided, single submitter. Criteria: GeneDx Variant Classification (06012015). Collection method: clinical testing. Allele origin: germline. Affected: yes.
Comment: The G2481D variant in the COL7A1 gene has not been reported previously as a pathogenic variant,nor as a benign variant, to our knowledge. The G2481D variant was not observed in approximately6,500 individuals of European and African American ancestry in the NHLBI Exome SequencingProject, indicating it is not a common benign variant in these populations. The G2481D variant is anon-conservative amino acid substitution, which occurs at a position that is conserved across speciesaffecting a Gylcine residue of the triple-helical region containing Gly-X-Y repeats. In silico analysispredicts this variant is probably damaging to the protein structure/function.

NM_000094.4(COL7A1):c.7442G>A (p.Gly2481Asp)

Gene: COL7A1 (collagen type VII alpha 1 chain; minus strand). Cytogenetic location: 3p21.31.
Variant type: single nucleotide variant.
Coding change: c.7442G>A on transcript NM_000094.4 (MANE Select); coding-DNA position 7442, G replaced by A.
Protein change: p.Gly2481Asp; replaces glycine 2481 with aspartic acid.
Molecular consequence: missense variant.
Genome position (GRCh38, 1-based): chr3:48,570,177, C>T on the plus strand (G>A on the coding strand, the complement: COL7A1 is on the minus strand). VCF-style: chr3-48570177-C-T. GRCh37 (hg19) VCF-style: chr3-48607610-C-T.
Other names: short protein forms G2481D.
Identifiers: ClinVar variation 265077 (VCV000265077.3), dbSNP rs886039328, ClinGen allele CA10588367.